The following is an entry in ClinVar:

ClinVar aggregate classification (germline): Uncertain significance (1 of 4 stars; one submission).

Conditions:
Inborn genetic diseases. Identifiers: MedGen C0950123, MeSH D030342.

Submission:

Ambry Genetics
Classification: Uncertain significance for Inborn genetic diseases. Last evaluated: 2018-03-21. Review status: criteria provided, single submitter. Criteria: Ambry Variant Classification Scheme 2023. Collection method: clinical testing. Allele origin: germline.
Comment: The p.R942G variant (also known as c.2824C>G), located in coding exon 20 of the SZT2 gene, results from a C to G substitution at nucleotide position 2824. The arginine at codon 942 is replaced by glycine, an amino acid with dissimilar properties. This amino acid position is well conserved in available vertebrate species; however, glycine is the reference amino acid in other vertebrate species. In addition, the in silico prediction for this alteration is inconclusive. Since supporting evidence is limited at this time, the clinical significance of this alteration remains unclear.

NM_001365999.1(SZT2):c.2824C>G (p.Arg942Gly)

Gene: SZT2 (SZT2 subunit of KICSTOR complex; plus strand). Cytogenetic location: 1p34.2.
Variant type: single nucleotide variant.
Coding change: c.2824C>G on transcript NM_001365999.1 (MANE Select); coding-DNA position 2824, C replaced by G.
Protein change: p.Arg942Gly; replaces arginine 942 with glycine.
Molecular consequence: missense variant.
Genome position (GRCh38, 1-based): chr1:43,425,844, C>G. VCF-style: chr1-43425844-C-G. GRCh37 (hg19) VCF-style: chr1-43891515-C-G.
Other names: c.2824C>G, p.Arg942Gly (NM_015284.4); short protein forms R942G.
Identifiers: ClinVar variation 1796486 (VCV001796486.2), dbSNP rs773789668, ClinGen allele CA340015558.
Genomic context (GRCh38, chr1:43,425,844, plus strand): 5'-TATCCTGGGCTAAGAGGGGTTGACTCCTGACCTCTGATGTTCTTCCTGTAGCTCCACCCA[C>G]GGGATGCTGCCTGCATAGGCTCCATGCTGAGCTTTGAATACCTGATACAGCTGTGTCAGA-3'
Protein context (NP_001352928.1, residues 932-952): YSEIPQALHP[Arg942Gly]DAACIGSMLS